The following is an entry in ClinVar:

NM_004104.5(FASN):c.3007C>T (p.Pro1003Ser)

Gene: FASN (fatty acid synthase; minus strand). Cytogenetic location: 17q25.3.
Variant type: single nucleotide variant.
Coding change: c.3007C>T on transcript NM_004104.5 (MANE Select); coding-DNA position 3007, C replaced by T.
Protein change: p.Pro1003Ser; replaces proline 1003 with serine.
Molecular consequence: missense variant.
Genome position (GRCh38, 1-based): chr17:82,087,721, G>A on the plus strand (C>T on the coding strand, the complement: FASN is on the minus strand). VCF-style: chr17-82087721-G-A. GRCh37 (hg19) VCF-style: chr17-80045597-G-A.
Other names: c.3007C>T (NM_004104.4); short protein forms P1003S.
Identifiers: ClinVar variation 1988537 (VCV001988537.5), dbSNP rs1299976440, ClinGen allele CA401555208.

ClinVar aggregate classification (germline): Uncertain significance. Review status: criteria provided, multiple submitters, no conflicts (2 of 4 stars). 2 submissions from 2 submitters: Uncertain significance (2). Last evaluated 2025-06-18.

Conditions:
Epileptic encephalopathy. Identifiers: MedGen C0543888, HP:0200134.

Allele frequency attached by ClinVar (database versions not stated): TOPMed below 0.00001; gnomAD exomes 0.00002.
gnomAD v4.1: 29 of 1,612,234 alleles (0.0018%); highest among the groups gnomAD compares: Non-Finnish European, 0.0023%; no homozygotes.

Submissions (2):

Ambry Genetics
Classification: Uncertain significance. Last evaluated: 2025-06-18. Review status: criteria provided, single submitter. Criteria: Ambry Variant Classification Scheme 2023. Collection method: clinical testing. Allele origin: germline.

Labcorp Genetics (formerly Invitae), Labcorp
Classification: Uncertain significance for Epileptic encephalopathy. Last evaluated: 2022-03-28. Review status: criteria provided, single submitter. Criteria: Invitae Variant Classification Sherloc (09022015). Collection method: clinical testing. Allele origin: germline.
Comment: In summary, the available evidence is currently insufficient to determine the role of this variant in disease. Therefore, it has been classified as a Variant of Uncertain Significance. Algorithms developed to predict the effect of missense changes on protein structure and function (SIFT, PolyPhen-2, Align-GVGD) all suggest that this variant is likely to be tolerated. This sequence change replaces proline, which is neutral and non-polar, with serine, which is neutral and polar, at codon 1003 of the FASN protein (p.Pro1003Ser). This variant is present in population databases (no rsID available, gnomAD 0.0009%). This variant has not been reported in the literature in individuals affected with FASN-related conditions.